The following is an entry in ClinVar:

NM_015192.4(PLCB1):c.806A>G (p.Glu269Gly)

Gene: PLCB1 (phospholipase C beta 1; plus strand). Cytogenetic location: 20p12.3.
Variant type: single nucleotide variant.
Coding change: c.806A>G on transcript NM_015192.4 (MANE Select); coding-DNA position 806, A replaced by G.
Protein change: p.Glu269Gly; replaces glutamic acid 269 with glycine.
Molecular consequence: missense variant.
Genome position (GRCh38, 1-based): chr20:8,658,648, A>G. VCF-style: chr20-8658648-A-G. GRCh37 (hg19) VCF-style: chr20-8639295-A-G.
Other names: c.806A>G, p.Glu269Gly (NM_182734.3); short protein forms E269G.
Identifiers: ClinVar variation 845886 (VCV000845886.10), dbSNP rs1989533771, ClinGen allele CA408264285.

ClinVar aggregate classification (germline): Uncertain significance (1 of 4 stars; one submission).

Conditions:
Developmental and epileptic encephalopathy, 12 (DEE12). Identifiers: MedGen C3150988, MONDO:0013389, OMIM 613722.

Allele frequency attached by ClinVar (database versions not stated): TOPMed below 0.00001.

Submission:

Labcorp Genetics (formerly Invitae), Labcorp
Classification: Uncertain significance for Developmental and epileptic encephalopathy, 12. Last evaluated: 2019-12-03. Review status: criteria provided, single submitter. Criteria: Invitae Variant Classification Sherloc (09022015). Collection method: clinical testing. Allele origin: germline.
Comment: This variant is not present in population databases (ExAC no frequency). This sequence change replaces glutamic acid with glycine at codon 269 of the PLCB1 protein (p.Glu269Gly). The glutamic acid residue is moderately conserved and there is a moderate physicochemical difference between glutamic acid and glycine. This variant has not been reported in the literature in individuals with PLCB1-related conditions. In summary, the available evidence is currently insufficient to determine the role of this variant in disease. Therefore, it has been classified as a Variant of Uncertain Significance. Algorithms developed to predict the effect of missense changes on protein structure and function are either unavailable or do not agree on the potential impact of this missense change (SIFT: "Tolerated"; PolyPhen-2: "Possibly Damaging"; Align-GVGD: "Class C0").